The following is an entry in ClinVar:

ClinVar aggregate classification (germline): Uncertain significance. Review status: criteria provided, multiple submitters, no conflicts (2 of 4 stars). 3 submissions from 2 submitters: Uncertain significance (3). Last evaluated 2024-06-01.

Conditions:
Frontotemporal dementia and/or amyotrophic lateral sclerosis 6 (FTDALS6). Also called: VCP-Related Amyotrophic Lateral Sclerosis; VCP-Related Amyotrophic Lateral Sclerosis/Frontotemporal Dementia. Identifiers: Orphanet 275872, Orphanet 803, MedGen C5436279, MONDO:0013501, OMIM 613954.
Inclusion body myopathy with Paget disease of bone and frontotemporal dementia type 1. Also called: Inclusion body myopathy with early-onset Paget disease with or without frontotemporal dementia 1; MULTISYSTEM PROTEINOPATHY 1; Inclusion body myopathy with early-onset Paget disease and frontotemporal dementia 1. Identifiers: MedGen C4551951, MONDO:0008178, OMIM 167320.

Allele frequency attached by ClinVar (database versions not stated): gnomAD exomes 0.00002; TOPMed 0.00003; gnomAD 0.00005.
gnomAD v4.1: 39 of 1,563,474 alleles (0.0025%); highest among the groups gnomAD compares: East Asian, 0.034%; no homozygotes.

Submissions (3):

CeGaT Center for Human Genetics Tuebingen
Classification: Uncertain significance. Last evaluated: 2024-06-01. Review status: criteria provided, single submitter. Criteria: CeGaT Center For Human Genetics Tuebingen Variant Classification Criteria Version 2. Collection method: clinical testing. Allele origin: germline. Affected: yes. Observed: 1 variant allele.
Comment: VCP: PP2

Illumina Laboratory Services, Illumina
Classification: Uncertain significance for Frontotemporal dementia and/or amyotrophic lateral sclerosis 6. Last evaluated: 2018-01-12. Review status: criteria provided, single submitter. Criteria: ICSL Variant Classification Criteria 13 December 2019. Collection method: clinical testing. Allele origin: germline.

Illumina Laboratory Services, Illumina
Classification: Uncertain significance for Inclusion body myopathy with Paget disease of bone and frontotemporal dementia type 1. Last evaluated: 2018-01-12. Review status: criteria provided, single submitter. Criteria: ICSL Variant Classification Criteria 13 December 2019. Collection method: clinical testing. Allele origin: germline.

NM_007126.5(VCP):c.*63G>A

Gene: VCP (valosin containing protein; minus strand). Cytogenetic location: 9p13.3.
Variant type: single nucleotide variant.
Coding change: c.*63G>A on transcript NM_007126.5 (MANE Select); 63 bases downstream of the stop codon, G replaced by A.
Molecular consequence: 3 prime UTR variant.
Genome position (GRCh38, 1-based): chr9:35,057,054, C>T on the plus strand (G>A on the coding strand, the complement: VCP is on the minus strand). VCF-style: chr9-35057054-C-T. GRCh37 (hg19) VCF-style: chr9-35057051-C-T.
Other names: c.*63G>A (NM_001354927.2, NM_001354928.2).
Identifiers: ClinVar variation 912643 (VCV000912643.22), dbSNP rs969638105, ClinGen allele CA587235853.